The following is an entry in ClinVar:

NM_001378454.1(ALMS1):c.8043A>G (p.Ser2681=)

Gene: ALMS1 (ALMS1 centrosome and basal body associated protein; plus strand). Cytogenetic location: 2p13.1.
Variant type: single nucleotide variant.
Coding change: c.8043A>G on transcript NM_001378454.1 (MANE Select); coding-DNA position 8043, A replaced by G.
Protein change: p.Ser2681=; no amino-acid change (serine 2681 retained).
Molecular consequence: synonymous variant.
Genome position (GRCh38, 1-based): chr2:73,490,002, A>G. VCF-style: chr2-73490002-A-G. GRCh37 (hg19) VCF-style: chr2-73717129-A-G.
Other names: c.8046A>G, p.Ser2682= (NM_015120.4).
Identifiers: ClinVar variation 2704929 (VCV002704929.4), dbSNP rs1672941877, ClinGen allele CA427000750.

ClinVar aggregate classification (germline): Likely benign. Review status: criteria provided, multiple submitters, no conflicts (2 of 4 stars). 2 submissions from 2 submitters: Likely benign (2). Last evaluated 2026-07-16.

Conditions:
Alstrom syndrome (ALMS). Identifiers: Orphanet 64, MedGen C0268425, MONDO:0008763, OMIM 203800.
ALMS1-related disorder. Also called: ALMS1-related condition.

Allele frequency attached by ClinVar (database versions not stated): gnomAD 0.00002.
gnomAD v4.1: 3 of 1,614,136 alleles (0.00019%); no homozygotes.

Submissions (2):

PreventionGenetics, part of Exact Sciences
Classification: Likely benign for ALMS1-related condition. Last evaluated: 2026-07-16. Review status: criteria provided, single submitter. Criteria: ACMG Guidelines, 2015. Collection method: clinical testing. Allele origin: germline.
Comment: This variant is classified as likely benign based on ACMG/AMP sequence variant interpretation guidelines (Richards et al. 2015 PMID: 25741868, with internal and published modifications).

Labcorp Genetics (formerly Invitae), Labcorp
Classification: Likely benign for Alstrom syndrome. Last evaluated: 2023-12-22. Review status: criteria provided, single submitter. Criteria: Invitae Variant Classification Sherloc (09022015). Collection method: clinical testing. Allele origin: germline.